The following is an entry in ClinVar:

ClinVar aggregate classification (germline): Uncertain significance (1 of 4 stars; one submission).

Conditions:
Neuropathy, hereditary sensory and autonomic, type 2A (HSAN2A). Also called: ACROOSTEOLYSIS, GIACCAI TYPE; ACROOSTEOLYSIS, NEUROGENIC; WNK1-Related HSAN2 (HSAN2A); MORVAN DISEASE; NEUROPATHY, CONGENITAL SENSORY; NEUROPATHY, HEREDITARY SENSORY RADICULAR, AUTOSOMAL RECESSIVE. Identifiers: Orphanet 970, MedGen C2752089, MONDO:0024309, OMIM 201300.
Generalized epilepsy with febrile seizures plus, type 7 (GEFSP7). Also called: GEFS+, TYPE 7. Identifiers: Orphanet 36387, MedGen C2751778, MONDO:0013470, OMIM 613863.

Allele frequency attached by ClinVar (database versions not stated): gnomAD exomes 0.00001; TOPMed 0.00001; ExAC 0.00004.
gnomAD v4.1: 16 of 1,584,652 alleles (0.001%); highest among the groups gnomAD compares: South Asian, 0.015%; no homozygotes.

Submission:

Labcorp Genetics (formerly Invitae), Labcorp
Classification: Uncertain significance for Neuropathy, hereditary sensory and autonomic, type 2A; Generalized epilepsy with febrile seizures plus, type 7. Last evaluated: 2023-08-30. Review status: criteria provided, single submitter. Criteria: Invitae Variant Classification Sherloc (09022015). Collection method: clinical testing. Allele origin: germline.
Comment: In summary, the available evidence is currently insufficient to determine the role of this variant in disease. Therefore, it has been classified as a Variant of Uncertain Significance. Advanced modeling of protein sequence and biophysical properties (such as structural, functional, and spatial information, amino acid conservation, physicochemical variation, residue mobility, and thermodynamic stability) performed at Invitae indicates that this missense variant is not expected to disrupt SCN9A protein function. This variant has not been reported in the literature in individuals affected with SCN9A-related conditions. This variant is present in population databases (rs199916014, gnomAD 0.01%). This sequence change replaces tyrosine, which is neutral and polar, with histidine, which is basic and polar, at codon 1103 of the SCN9A protein (p.Tyr1103His).

NM_001365536.1(SCN9A):c.3340T>C (p.Tyr1114His)

Genes: SCN9A (sodium voltage-gated channel alpha subunit 9; minus strand), SCN1A-AS1 (SCN1A and SCN9A antisense RNA 1; plus strand). Cytogenetic location: 2q24.3.
Variant type: single nucleotide variant.
Coding change: c.3340T>C on transcript NM_001365536.1 (MANE Select); coding-DNA position 3340, T replaced by C.
Protein change: p.Tyr1114His; replaces tyrosine 1114 with histidine.
Molecular consequence: missense variant.
Genome position (GRCh38, 1-based): chr2:166,272,410, A>G on the plus strand (T>C on the coding strand, the complement: SCN9A is on the minus strand). VCF-style: chr2-166272410-A-G. GRCh37 (hg19) VCF-style: chr2-167128920-A-G.
Other names: c.3307T>C, p.Tyr1103His (NM_002977.4); short protein forms Y1114H, Y1103H.
Identifiers: ClinVar variation 2930717 (VCV002930717.3), dbSNP rs199916014, ClinGen allele CA1944094.